The following is an entry in ClinVar:

NM_199420.4(POLQ):c.1121C>T (p.Pro374Leu)

Gene: POLQ (DNA polymerase theta; minus strand). Cytogenetic location: 3q13.33.
Variant type: single nucleotide variant.
Coding change: c.1121C>T on transcript NM_199420.4 (MANE Select); coding-DNA position 1121, C replaced by T.
Protein change: p.Pro374Leu; replaces proline 374 with leucine.
Molecular consequence: missense variant.
Genome position (GRCh38, 1-based): chr3:121,522,137, G>A on the plus strand (C>T on the coding strand, the complement: POLQ is on the minus strand). VCF-style: chr3-121522137-G-A. GRCh37 (hg19) VCF-style: chr3-121240984-G-A.
Other names: short protein forms P374L.
Identifiers: ClinVar variation 1797889 (VCV001797889.2), dbSNP rs369501459, ClinGen allele CA2563627.
Genomic context (GRCh38, chr3:121,522,137, plus strand): 5'-AACTGATCCATCACTTCCAGGAGTTCTTTTTGTTCCAGAATTACTGGTGGGCATTCAGAG[G>A]GTTTCACCAATCCTGTCACAAAAAAATTATCAACACCATTTGCTTCTAACTCAGCTTCTT-3'
Protein context (NP_955452.3, residues 364-384): LHHQAEGLVK[Pro374Leu]SECPPVILEQ

ClinVar aggregate classification (germline): Uncertain significance (1 of 4 stars; one submission).

Allele frequency attached by ClinVar (database versions not stated): ExAC 0.00001; gnomAD exomes 0.00001; TOPMed 0.00001; ESP Exome Variant Server 0.00008.
gnomAD v4.1: 12 of 1,598,136 alleles (0.00075%); highest among the groups gnomAD compares: Non-Finnish European, 0.001%; no homozygotes.

Submission:

Ambry Genetics
Classification: Uncertain significance. Last evaluated: 2023-12-02. Review status: criteria provided, single submitter. Criteria: Ambry Variant Classification Scheme 2023. Collection method: clinical testing. Allele origin: germline.
Comment: The p.P374L variant (also known as c.1121C>T), located in coding exon 8 of the POLQ gene, results from a C to T substitution at nucleotide position 1121. The proline at codon 374 is replaced by leucine, an amino acid with similar properties. This amino acid position is conserved. In addition, this alteration is predicted to be tolerated by in silico analysis. Since supporting evidence is limited at this time, the clinical significance of this alteration remains unclear.